The following is an entry in ClinVar:

ClinVar aggregate classification (germline): Conflicting classifications of pathogenicity. Review status: criteria provided, conflicting classifications (1 of 4 stars). 10 submissions from 10 submitters: Uncertain significance (8); Likely benign (1). 1 of the submissions does not count toward it. Last evaluated 2026-01-27.

Conditions:
Hereditary cancer-predisposing syndrome. Also called: Hereditary Cancer Syndrome; Hereditary neoplastic syndrome; Neoplastic Syndromes, Hereditary; Tumor predisposition. Identifiers: Orphanet 140162, MedGen C0027672, MeSH D009386, MONDO:0015356.
Breast-ovarian cancer, familial, susceptibility to, 1 (BROVCA1). Also called: BRCA1 Hereditary Breast and Ovarian Cancer; OVARIAN CANCER, SUSCEPTIBILITY TO. Identifiers: Orphanet 145, MedGen C2676676, MONDO:0011450, OMIM 604370. Disease mechanism: loss of function.
Hereditary breast ovarian cancer syndrome. Also called: BRCA1- and BRCA2-Associated Hereditary Breast and Ovarian Cancer; Hereditary breast and ovarian cancer syndrome; Hereditary breast and ovarian cancer syndrome (HBOC); Breast and ovarian cancer; Hereditary breast and/or ovarian cancer syndrome; Hereditary breast and ovarian cancer. Identifiers: Orphanet 145, MedGen C0677776, MeSH D061325, MONDO:0003582. Disease mechanism: loss of function.

Allele frequency attached by ClinVar (database versions not stated): TOPMed 0.00003; gnomAD exomes below 0.00001; gnomAD 0.00001.
gnomAD v4.1: 2 of 1,613,792 alleles (0.00012%); highest among the groups gnomAD compares: African/African-American, 0.0013%; no homozygotes.

Submissions (10):

Labcorp Genetics (formerly Invitae), Labcorp
Classification: Uncertain significance for Hereditary breast ovarian cancer syndrome. Last evaluated: 2026-01-27. Review status: criteria provided, single submitter. Criteria: Invitae Variant Classification Sherloc (09022015). Collection method: clinical testing. Allele origin: germline.
Comment: This sequence change replaces asparagine, which is neutral and polar, with serine, which is neutral and polar, at codon 1052 of the BRCA1 protein (p.Asn1052Ser). This variant is not present in population databases (gnomAD no frequency). This variant has not been reported in the literature in individuals affected with BRCA1-related conditions. ClinVar contains an entry for this variant (Variation ID: 91606). Invitae Evidence Modeling of protein sequence and biophysical properties (such as structural, functional, and spatial information, amino acid conservation, physicochemical variation, residue mobility, and thermodynamic stability) indicates that this missense variant is expected to disrupt BRCA1 protein function with a positive predictive value of 80%. In summary, the available evidence is currently insufficient to determine the role of this variant in disease. Therefore, it has been classified as a Variant of Uncertain Significance.

GeneDx
Classification: Uncertain significance. Last evaluated: 2025-10-06. Review status: criteria provided, single submitter. Criteria: GeneDx Variant Classification Process June 2021. Collection method: clinical testing. Allele origin: germline.
Comment: Not observed at significant frequency in large population cohorts (gnomAD); In silico analysis supports that this missense variant has a deleterious effect on protein structure/function; Has not been previously published as pathogenic or benign to our knowledge; Also known as 3274A>G; This variant is associated with the following publications: (PMID: 29884841, 32377563, 9774970, 15343273, 37020472, 33875564)

Quest Diagnostics Nichols Institute San Juan Capistrano
Classification: Uncertain significance. Last evaluated: 2024-07-24. Review status: criteria provided, single submitter. Criteria: Quest Diagnostics criteria. Collection method: clinical testing. Allele origin: unknown.
Comment: The BRCA1 c.3155A>G (p.Asn1052Ser) variant has been reported in the published literature to be located in a region of the BRCA1 gene that is tolerant to missense sequence changes (PMID: 31911673 (2020)). To the best of our knowledge, this variant has not been reported in individuals with BRCA1-related disorders. The frequency of this variant in the general population, 0.0000066 (1/152126 chromosomes (Genome Aggregation Database)), is uninformative in the assessment of its pathogenicity. Analysis of this variant using bioinformatics tools for the prediction of the effect of amino acid changes on protein structure and function yielded conflicting predictions that this variant is benign or damaging. Based on the available information, we are unable to determine the clinical significance of this variant.

All of Us Research Program, National Institutes of Health
Classification: Uncertain significance for Breast-ovarian cancer, familial, susceptibility to, 1. Last evaluated: 2023-11-30. Review status: criteria provided, single submitter. Criteria: ACMG Guidelines, 2015. Collection method: clinical testing. Allele origin: germline. Inheritance: Autosomal dominant inheritance. Observed: 1 variant allele, 1 heterozygote.
Comment: This study involves interpretation of variants in research participants for the purpose of population health screening. Participant phenotype was not available at the time of variant classification. Additional details can be found in publication PMID: 35346344, PMCID: PMC8962531

Ambry Genetics
Classification: Uncertain significance for Hereditary cancer-predisposing syndrome. Last evaluated: 2023-10-02. Review status: criteria provided, single submitter. Criteria: Ambry Variant Classification Scheme 2023. Collection method: clinical testing. Allele origin: germline.
Comment: The p.N1052S variant (also known as c.3155A>G), located in coding exon 9 of the BRCA1 gene, results from an A to G substitution at nucleotide position 3155. The asparagine at codon 1052 is replaced by serine, an amino acid with highly similar properties. This amino acid position is highly conserved in available vertebrate species. In addition, the in silico prediction for this alteration is inconclusive. Since supporting evidence is limited at this time, the clinical significance of this alteration remains unclear.

University of Washington Department of Laboratory Medicine, University of Washington
Classification: Likely benign for Hereditary cancer-predisposing syndrome. Last evaluated: 2023-03-23. Review status: criteria provided, single submitter. Criteria: Dines et al. (Genet Med. 2020). Collection method: curation. Allele origin: germline.
Comment: Missense variant in a coldspot region where missense variants are very unlikely to be pathogenic (PMID:31911673).

BRCA1 coldspot (exon 11 using historical exon numbering). Reclassification based on statistical prior probability

Women's Health and Genetics/Laboratory Corporation of America, LabCorp
Classification: Uncertain significance. Last evaluated: 2021-12-06. Review status: criteria provided, single submitter. Criteria: LabCorp Variant Classification Summary - May 2015. Collection method: clinical testing. Allele origin: germline.

Color Diagnostics, LLC DBA Color Health
Classification: Uncertain significance for Hereditary cancer-predisposing syndrome. Last evaluated: 2019-05-15. Review status: criteria provided, single submitter. Criteria: ACMG Guidelines, 2015. Collection method: clinical testing. Allele origin: germline.

Department of Pathology and Molecular Medicine, Queen's University
Classification: Uncertain significance. Last evaluated: 2017-04-20. Review status: criteria provided, single submitter. Criteria: ACMG Guidelines, 2015. Collection method: clinical testing. Allele origin: germline. Study: The Canadian Open Genetics Repository (COGR).

Sharing Clinical Reports Project (SCRP)
Classification: Uncertain significance for Breast-ovarian cancer, familial 1. Last evaluated: 2013-05-29. Review status: no assertion criteria provided. Collection method: clinical testing. Allele origin: germline. Not counted in ClinVar's aggregate classification.

Literature cited by the submitters: PubMed 31911673 (cited by Quest Diagnostics Nichols Institute San Juan Capistrano); PubMed 33875564 (cited by Quest Diagnostics Nichols Institute San Juan Capistrano).

NM_007294.4(BRCA1):c.3155A>G (p.Asn1052Ser)

Gene: BRCA1 (BRCA1 DNA repair associated; minus strand). Cytogenetic location: 17q21.31.
Variant type: single nucleotide variant.
Coding change: c.3155A>G on transcript NM_007294.4 (MANE Select); coding-DNA position 3155, A replaced by G.
Protein change: p.Asn1052Ser; replaces asparagine 1052 with serine.
Molecular consequence: missense variant. On other transcripts: intron variant (137).
Genome position (GRCh38, 1-based): chr17:43,092,376, T>C on the plus strand (A>G on the coding strand, the complement: BRCA1 is on the minus strand). VCF-style: chr17-43092376-T-C. GRCh37 (hg19) VCF-style: chr17-41244393-T-C.
Other names: 3274A>G; c.2942A>G, p.Asn981Ser (NM_001407571.1, NM_001407853.1, NM_001407899.1 and 9 more transcripts); c.3155A>G, p.Asn1052Ser (NM_001407581.1, NM_001407582.1, NM_001407583.1 and 30 more transcripts); c.3152A>G, p.Asn1051Ser (NM_001407587.1, NM_001407590.1, NM_001407591.1 and 22 more transcripts); c.3146A>G, p.Asn1049Ser (NM_001407646.1, NM_001407647.1); c.3032A>G, p.Asn1011Ser (NM_001407648.1, NM_001407664.1, NM_001407665.1 and 19 more transcripts); c.3029A>G, p.Asn1010Ser (NM_001407649.1, NM_001407670.1, NM_001407671.1 and 11 more transcripts); c.3077A>G, p.Asn1026Ser (NM_001407653.1, NM_001407654.1, NM_001407655.1 and 4 more transcripts); and 42 more; short protein forms N1052S, N1005S, N1004S, N1025S, N1026S, N1051S, N940S, N981S.
Identifiers: ClinVar variation 91606 (VCV000091606.26), dbSNP rs398122672, ClinGen allele CA002055.